The following is an entry in ClinVar:

NM_017654.4(SAMD9):c.283G>C (p.Ala95Pro)

Gene: SAMD9 (sterile alpha motif domain containing 9; minus strand). Cytogenetic location: 7q21.2.
Variant type: single nucleotide variant.
Coding change: c.283G>C on transcript NM_017654.4 (MANE Select); coding-DNA position 283, G replaced by C.
Protein change: p.Ala95Pro; replaces alanine 95 with proline.
Molecular consequence: missense variant.
Genome position (GRCh38, 1-based): chr7:93,105,815, C>G on the plus strand (G>C on the coding strand, the complement: SAMD9 is on the minus strand). VCF-style: chr7-93105815-C-G. GRCh37 (hg19) VCF-style: chr7-92735128-C-G.
Other names: c.283G>C, p.Ala95Pro (NM_001193307.2); c.283G>C (NM_017654.3); short protein forms A95P.
Identifiers: ClinVar variation 1390105 (VCV001390105.8), dbSNP rs760675282, ClinGen allele CA4343177.

ClinVar aggregate classification (germline): Uncertain significance. Review status: criteria provided, multiple submitters, no conflicts (2 of 4 stars). 2 submissions from 2 submitters: Uncertain significance (2). Last evaluated 2025-10-12.

Conditions:
Inborn genetic diseases. Identifiers: MedGen C0950123, MeSH D030342.

Allele frequency attached by ClinVar (database versions not stated): ExAC 0.00001; gnomAD 0.00001; gnomAD exomes 0.00001; TOPMed 0.00001.
gnomAD v4.1: 31 of 1,614,000 alleles (0.0019%); highest among the groups gnomAD compares: East Asian, 0.0067%; no homozygotes.

Submissions (2):

Labcorp Genetics (formerly Invitae), Labcorp
Classification: Uncertain significance. Last evaluated: 2025-10-12. Review status: criteria provided, single submitter. Criteria: Invitae Variant Classification Sherloc (09022015). Collection method: clinical testing. Allele origin: germline.
Comment: This sequence change replaces alanine, which is neutral and non-polar, with proline, which is neutral and non-polar, at codon 95 of the SAMD9 protein (p.Ala95Pro). This variant is present in population databases (rs760675282, gnomAD 0.01%). This variant has not been reported in the literature in individuals affected with SAMD9-related conditions. ClinVar contains an entry for this variant (Variation ID: 1390105). Invitae Evidence Modeling of protein sequence and biophysical properties (such as structural, functional, and spatial information, amino acid conservation, physicochemical variation, residue mobility, and thermodynamic stability) indicates that this missense variant is not expected to disrupt SAMD9 protein function with a negative predictive value of 95%. In summary, the available evidence is currently insufficient to determine the role of this variant in disease. Therefore, it has been classified as a Variant of Uncertain Significance.

Ambry Genetics
Classification: Uncertain significance for Inborn genetic diseases. Last evaluated: 2024-12-13. Review status: criteria provided, single submitter. Criteria: Ambry Variant Classification Scheme 2023. Collection method: clinical testing. Allele origin: germline.
Comment: The p.A95P variant (also known as c.283G>C), located in coding exon 1 of the SAMD9 gene, results from a G to C substitution at nucleotide position 283. The alanine at codon 95 is replaced by proline, an amino acid with highly similar properties. This amino acid position is conserved. In addition, this alteration is predicted to be tolerated by in silico analysis. Based on the available evidence, the clinical significance of this variant remains unclear.